The following is an entry in ClinVar:

NM_024009.3(GJB3):c.119C>G (p.Ala40Gly)

Gene: GJB3 (gap junction protein beta 3; plus strand). Cytogenetic location: 1p34.3.
Variant type: single nucleotide variant.
Coding change: c.119C>G on transcript NM_024009.3 (MANE Select); coding-DNA position 119, C replaced by G.
Protein change: p.Ala40Gly; replaces alanine 40 with glycine.
Molecular consequence: missense variant.
Genome position (GRCh38, 1-based): chr1:34,784,881, C>G. VCF-style: chr1-34784881-C-G. GRCh37 (hg19) VCF-style: chr1-35250482-C-G.
Other names: c.119C>G, p.Ala40Gly (NM_001005752.2); short protein forms A40G.
Identifiers: ClinVar variation 3776184 (VCV003776184.1).

ClinVar aggregate classification (germline): Uncertain significance (1 of 4 stars; one submission).

Conditions:
Erythrokeratodermia variabilis et progressiva 1 (EKVP1). Also called: ERYTHROKERATODERMIA FIGURATA, CONGENITAL FAMILIAL, IN PLAQUES; ERYTHROKERATODERMIA VARIABILIS WITH ERYTHEMA GYRATUM REPENS; ERYTHROKERATODERMIA, PROGRESSIVE SYMMETRIC. Identifiers: Orphanet 317, MedGen C4551486, MONDO:0033010, OMIM 133200.

Submission:

3billion
Classification: Uncertain significance for Erythrokeratodermia variabilis et progressiva 1. Last evaluated: 2023-07-31. Review status: criteria provided, single submitter. Criteria: ACMG Guidelines, 2015. Collection method: clinical testing. Allele origin: germline. Affected: yes.
Comment: The variant is not observed in the gnomAD v2.1.1 dataset. Predicted Consequence/Location: Missense changes are a common disease-causing mechanism. In silico tool predictions suggest damaging effect of the variant on gene or gene product (REVEL: 0.74; 3Cnet: 0.02). Therefore, this variant is classified as VUS according to the recommendation of ACMG/AMP guideline.